The following is an entry in ClinVar:

NM_001378414.1(HDAC4):c.956C>T (p.Ala319Val)

Gene: HDAC4 (histone deacetylase 4; minus strand). Cytogenetic location: 2q37.3.
Variant type: single nucleotide variant.
Coding change: c.956C>T on transcript NM_001378414.1 (MANE Select); coding-DNA position 956, C replaced by T.
Protein change: p.Ala319Val; replaces alanine 319 with valine.
Molecular consequence: missense variant.
Genome position (GRCh38, 1-based): chr2:239,139,706, G>A on the plus strand (C>T on the coding strand, the complement: HDAC4 is on the minus strand). VCF-style: chr2-239139706-G-A. GRCh37 (hg19) VCF-style: chr2-240061402-G-A.
Other names: c.956C>T, p.Ala319Val (NM_001378415.1, NM_001378416.1, NM_001378417.1 and 1 more transcripts); c.875C>T, p.Ala292Val (NM_001435991.1, NM_001435992.1, NM_001435994.1 and 1 more transcripts); c.812C>T, p.Ala271Val (NM_001435993.1); c.941C>T, p.Ala314Val (NM_001435996.1); short protein forms A292V, A271V, A314V, A319V.
Identifiers: ClinVar variation 4748762 (VCV004748762.1).

ClinVar aggregate classification (germline): Uncertain significance (1 of 4 stars; one submission).

gnomAD v4.1: 5 of 1,613,966 alleles (0.00031%); highest among the groups gnomAD compares: African/African-American, 0.0053%; no homozygotes.

Submission:

Labcorp Genetics (formerly Invitae), Labcorp
Classification: Uncertain significance. Last evaluated: 2025-12-16. Review status: criteria provided, single submitter. Criteria: Invitae Variant Classification Sherloc (09022015). Collection method: clinical testing. Allele origin: germline.
Comment: This sequence change replaces alanine, which is neutral and non-polar, with valine, which is neutral and non-polar, at codon 319 of the HDAC4 protein (p.Ala319Val). This variant is present in population databases (rs749350259, gnomAD 0.003%). This variant has not been reported in the literature in individuals affected with HDAC4-related conditions. An algorithm developed to predict the effect of missense changes on protein structure and function (PolyPhen-2) suggests that this variant is likely to be tolerated. In summary, the available evidence is currently insufficient to determine the role of this variant in disease. Therefore, it has been classified as a Variant of Uncertain Significance.